The following is an entry in ClinVar:

NM_003185.4(TAF4):c.2183C>T (p.Thr728Met)

Gene: TAF4 (TATA-box binding protein associated factor 4; minus strand). Cytogenetic location: 20q13.33.
Variant type: single nucleotide variant.
Coding change: c.2183C>T on transcript NM_003185.4 (MANE Select); coding-DNA position 2183, C replaced by T.
Protein change: p.Thr728Met; replaces threonine 728 with methionine.
Molecular consequence: missense variant.
Genome position (GRCh38, 1-based): chr20:62,006,550, G>A on the plus strand (C>T on the coding strand, the complement: TAF4 is on the minus strand). VCF-style: chr20-62006550-G-A. GRCh37 (hg19) VCF-style: chr20-60581606-G-A.
Other names: short protein forms T728M.
Identifiers: ClinVar variation 5041227 (VCV005041227.1).
Genomic context (GRCh38, chr20:62,006,550, plus strand): 5'-GTCAGGCGCCCCTTCCATACCAGCGGTGTGGGTTGCCCCTGCTTGCCGACGCCGACCTGC[G>A]TGGGCTGCGTGAGGCTGAGCACAGGGGGCTGGAGGGCACTGGTCACGGTGGCCGCCGTCT-3'
Protein context (NP_003176.2, residues 718-738): QPPVLSLTQP[Thr728Met]QVGVGKQGQP

ClinVar aggregate classification (germline): Likely benign (1 of 4 stars; one submission).

gnomAD v4.1: 24 of 1,571,720 alleles (0.0015%); highest among the groups gnomAD compares: Admixed American, 0.033%; no homozygotes.

Submission:

CeGaT Center for Human Genetics Tuebingen
Classification: Likely benign. Last evaluated: 2026-09-01. Review status: criteria provided, single submitter. Criteria: CeGaT Center For Human Genetics Tuebingen Variant Classification Criteria Version 2. Collection method: clinical testing. Allele origin: germline. Affected: yes. Observed: 1 variant allele.
Comment: TAF4: BS2